The following is an entry in ClinVar:

ClinVar aggregate classification (germline): Uncertain significance. Review status: criteria provided, multiple submitters, no conflicts (2 of 4 stars). 2 submissions from 2 submitters: Uncertain significance (2). Last evaluated 2024-07-26.

Conditions:
Hereditary nonpolyposis colorectal neoplasms. Identifiers: MedGen C0009405, MeSH D003123.

Submissions (2):

Labcorp Genetics (formerly Invitae), Labcorp
Classification: Uncertain significance for Hereditary nonpolyposis colorectal neoplasms. Last evaluated: 2024-07-26. Review status: criteria provided, single submitter. Criteria: Invitae Variant Classification Sherloc (09022015). Collection method: clinical testing. Allele origin: germline.
Comment: This sequence change replaces alanine, which is neutral and non-polar, with glycine, which is neutral and non-polar, at codon 861 of the MSH6 protein (p.Ala861Gly). This variant is not present in population databases (gnomAD no frequency). This variant has not been reported in the literature in individuals affected with MSH6-related conditions. ClinVar contains an entry for this variant (Variation ID: 1415768). Advanced modeling of protein sequence and biophysical properties (such as structural, functional, and spatial information, amino acid conservation, physicochemical variation, residue mobility, and thermodynamic stability) performed at Invitae indicates that this missense variant is not expected to disrupt MSH6 protein function with a negative predictive value of 95%. In summary, the available evidence is currently insufficient to determine the role of this variant in disease. Therefore, it has been classified as a Variant of Uncertain Significance.

Quest Diagnostics Nichols Institute San Juan Capistrano
Classification: Uncertain significance. Last evaluated: 2022-10-03. Review status: criteria provided, single submitter. Criteria: Quest Diagnostics criteria. Collection method: clinical testing. Allele origin: unknown.
Comment: The variant has not been reported in the published literature. It also has not been reported in large, multi-ethnic general populations. Analysis of this variant using bioinformatics tools for the prediction of the effect of amino acid changes on protein structure and function yielded conflicting predictions that this variant is benign or damaging. Based on the available information, we are unable to determine the clinical significance of this variant.

NM_000179.3(MSH6):c.2582C>G (p.Ala861Gly)

Gene: MSH6 (mutS homolog 6; plus strand). Cytogenetic location: 2p16.3.
Variant type: single nucleotide variant.
Coding change: c.2582C>G on transcript NM_000179.3 (MANE Select); coding-DNA position 2582, C replaced by G.
Protein change: p.Ala861Gly; replaces alanine 861 with glycine.
Molecular consequence: missense variant.
Genome position (GRCh38, 1-based): chr2:47,800,565, C>G. VCF-style: chr2-47800565-C-G. GRCh37 (hg19) VCF-style: chr2-48027704-C-G.
Other names: c.2192C>G, p.Ala731Gly (NM_001281492.2); c.1676C>G, p.Ala559Gly (NM_001281493.2, NM_001281494.2); c.2582C>G (NM_000179.2); short protein forms A559G, A861G, A731G.
Identifiers: ClinVar variation 1415768 (VCV001415768.7), dbSNP rs1553413929, ClinGen allele CA346754801.
Genomic context (GRCh38, chr2:47,800,565, plus strand): 5'-GGGCTATAATGTATGAAGAAACTACATACAGCAAGAAGAAGATTATTGATTTTCTTTCTG[C>G]TCTGGAAGGATTCAAAGTAATGTGTAAAATTATAGGGATCATGGAAGAAGTTGCTGATGG-3'
Protein context (NP_000170.1, residues 851-871): SKKKIIDFLS[Ala861Gly]LEGFKVMCKI